The following is an entry in ClinVar:

NM_002471.4(MYH6):c.3499A>G (p.Lys1167Glu)

Gene: MYH6 (myosin heavy chain 6; minus strand). Cytogenetic location: 14q11.2.
Variant type: single nucleotide variant.
Coding change: c.3499A>G on transcript NM_002471.4 (MANE Select); coding-DNA position 3499, A replaced by G.
Protein change: p.Lys1167Glu; replaces lysine 1167 with glutamic acid.
Molecular consequence: missense variant.
Genome position (GRCh38, 1-based): chr14:23,390,290, T>C on the plus strand (A>G on the coding strand, the complement: MYH6 is on the minus strand). VCF-style: chr14-23390290-T-C. GRCh37 (hg19) VCF-style: chr14-23859499-T-C.
Other names: short protein forms K1167E.
Identifiers: ClinVar variation 4978915 (VCV004978915.1).

ClinVar aggregate classification (germline): Uncertain significance (1 of 4 stars; one submission).

Conditions:
MYH6-related disorder. Also called: MYH6-related condition; MYH6-Related Disorders.

Submission:

PreventionGenetics, part of Exact Sciences
Classification: Uncertain significance for MYH6-related condition. Last evaluated: 2026-09-14. Review status: criteria provided, single submitter. Criteria: ACMG Guidelines, 2015. Collection method: clinical testing. Allele origin: germline.
Comment: The MYH6 c.3499A>G variant is predicted to result in the amino acid substitution p.Lys1167Glu. To our knowledge, this variant has not been reported in the literature or in a large population database (gnomAD), indicating this variant is rare. At this time, the clinical significance of this variant is uncertain due to the absence of conclusive functional and genetic evidence.